The following is an entry in ClinVar:

ClinVar aggregate classification (germline): Likely benign. Review status: criteria provided, single submitter (1 of 4 stars). 2 submissions from 2 submitters: Likely benign (1). 1 of the submissions does not count toward it. Last evaluated 2024-10-02.

Conditions:
CHAT-related disorder. Also called: CHAT-related condition.
Familial infantile myasthenia (CMS6). Also called: MYASTHENIC SYNDROME, CONGENITAL, 6, PRESYNAPTIC; Congenital myasthenic syndrome type 6; MYASTHENIC SYNDROME, PRESYNAPTIC, CONGENITAL, ASSOCIATED WITH EPISODIC APNEA. Identifiers: Orphanet 590, MedGen C0393929, MONDO:0009689, OMIM 254210.

Allele frequency attached by ClinVar (database versions not stated): TOPMed below 0.00001; gnomAD 0.00001; gnomAD exomes 0.00002.
gnomAD v4.1: 13 of 1,613,706 alleles (0.00081%); highest among the groups gnomAD compares: Non-Finnish European, 0.0011%; no homozygotes.

Submissions (2):

Labcorp Genetics (formerly Invitae), Labcorp
Classification: Likely benign for Familial infantile myasthenia. Last evaluated: 2024-10-02. Review status: criteria provided, single submitter. Criteria: Invitae Variant Classification Sherloc (09022015). Collection method: clinical testing. Allele origin: germline.

PreventionGenetics, part of Exact Sciences
Classification: Likely benign for CHAT-related condition. Last evaluated: 2020-04-27. Review status: no assertion criteria provided. Collection method: clinical testing. Allele origin: germline. Not counted in ClinVar's aggregate classification.
Comment: This variant is classified as likely benign based on ACMG/AMP sequence variant interpretation guidelines (Richards et al. 2015 PMID: 25741868, with internal and published modifications).

NM_020549.5(CHAT):c.1518A>G (p.Val506=)

Gene: CHAT (choline O-acetyltransferase; plus strand). Cytogenetic location: 10q11.23.
Variant type: single nucleotide variant.
Coding change: c.1518A>G on transcript NM_020549.5 (MANE Select); coding-DNA position 1518, A replaced by G.
Protein change: p.Val506=; no amino-acid change (valine 506 retained).
Molecular consequence: synonymous variant.
Genome position (GRCh38, 1-based): chr10:49,651,890, A>G. VCF-style: chr10-49651890-A-G. GRCh37 (hg19) VCF-style: chr10-50859936-A-G.
Other names: c.1164A>G, p.Val388= (NM_001142929.2, NM_001142934.2, NM_020984.4 and 2 more transcripts); c.1272A>G, p.Val424= (NM_001142933.2).
Identifiers: ClinVar variation 3054132 (VCV003054132.4), dbSNP rs1371387178, ClinGen allele CA469605526.